The following is an entry in ClinVar:

NM_024642.5(GALNT12):c.130G>C (p.Gly44Arg)

Gene: GALNT12 (polypeptide N-acetylgalactosaminyltransferase 12; plus strand). Cytogenetic location: 9q22.33.
Variant type: single nucleotide variant.
Coding change: c.130G>C on transcript NM_024642.5 (MANE Select); coding-DNA position 130, G replaced by C.
Protein change: p.Gly44Arg; replaces glycine 44 with arginine.
Molecular consequence: missense variant.
Genome position (GRCh38, 1-based): chr9:98,807,828, G>C. VCF-style: chr9-98807828-G-C. GRCh37 (hg19) VCF-style: chr9-101570110-G-C.
Other names: short protein forms G44R.
Identifiers: ClinVar variation 1351966 (VCV001351966.8), dbSNP rs2118256103, ClinGen allele CA374222352.

ClinVar aggregate classification (germline): Uncertain significance (1 of 4 stars; one submission).

Submission:

Labcorp Genetics (formerly Invitae), Labcorp
Classification: Uncertain significance. Last evaluated: 2022-03-13. Review status: criteria provided, single submitter. Criteria: Invitae Variant Classification Sherloc (09022015). Collection method: clinical testing. Allele origin: germline.
Comment: This sequence change replaces glycine, which is neutral and non-polar, with arginine, which is basic and polar, at codon 44 of the GALNT12 protein (p.Gly44Arg). The frequency data for this variant in the population databases is considered unreliable, as metrics indicate insufficient coverage at this position in the gnomAD database. This variant has not been reported in the literature in individuals affected with GALNT12-related conditions. Algorithms developed to predict the effect of missense changes on protein structure and function output the following: SIFT: "Tolerated"; PolyPhen-2: "Not Available"; Align-GVGD: "Class C0". The arginine amino acid residue is found in multiple mammalian species, which suggests that this missense change does not adversely affect protein function. In summary, the available evidence is currently insufficient to determine the role of this variant in disease. Therefore, it has been classified as a Variant of Uncertain Significance.